The following is an entry in ClinVar:

ClinVar aggregate classification (germline): Uncertain significance (1 of 4 stars; one submission).

Conditions:
Rafiq syndrome (RAFQS). Identifiers: Orphanet 88616, MedGen C3280127, MONDO:0013624, OMIM 614202.

Allele frequency attached by ClinVar (database versions not stated): gnomAD exomes below 0.00001 and 0.00001; TOPMed below 0.00001; gnomAD 0.00001; ExAC 0.00002.

Submission:

Baylor Genetics
Classification: Uncertain significance for Rafiq syndrome. Last evaluated: 2018-07-06. Review status: criteria provided, single submitter. Criteria: ACMG Guidelines, 2015. Collection method: clinical testing. Allele origin: unknown. Affected: yes.
Comment: This variant was determined to be of uncertain significance according to ACMG Guidelines, 2015 [PMID:25741868].

NM_016219.5(MAN1B1):c.1811T>G (p.Leu604Arg)

Gene: MAN1B1 (mannosidase alpha class 1B member 1; plus strand). Cytogenetic location: 9q34.3.
Variant type: single nucleotide variant.
Coding change: c.1811T>G on transcript NM_016219.5 (MANE Select); coding-DNA position 1811, T replaced by G.
Protein change: p.Leu604Arg; replaces leucine 604 with arginine.
Molecular consequence: missense variant. On other transcripts: non-coding transcript variant (2).
Genome position (GRCh38, 1-based): chr9:137,107,577, T>G. VCF-style: chr9-137107577-T-G. GRCh37 (hg19) VCF-style: chr9-140002029-T-G.
Other names: short protein forms L604R.
Identifiers: ClinVar variation 1033809 (VCV001033809.1), dbSNP rs776114448, ClinGen allele CA5359399.
Genomic context (GRCh38, chr9:137,107,577, plus strand): 5'-TGCTCCGCCCACAGCCAGCAGACAGGCACAACCTGCTGCGGCCAGAGACCGTGGAGAGCC[T>G]GTTCTACCTGTACCGCGTCACAGGGGACCGCAAATACCAGGACTGGGGCTGGGAGATTCT-3'
Protein context (NP_057303.2, residues 594-614): NLLRPETVES[Leu604Arg]FYLYRVTGDR